The following is an entry in ClinVar:

ClinVar aggregate classification (germline): Uncertain significance (1 of 4 stars; one submission).

Conditions:
Charcot-Marie-Tooth disease, type I (CMT1). Also called: Charcot-Marie-Tooth disease type 1; Charcot-Marie-Tooth, Type 1. Identifiers: Orphanet 65753, MedGen C0751036, MONDO:0019011.

Submission:

Labcorp Genetics (formerly Invitae), Labcorp
Classification: Uncertain significance for Charcot-Marie-Tooth disease, type I. Last evaluated: 2020-01-30. Review status: criteria provided, single submitter. Criteria: Invitae Variant Classification Sherloc (09022015). Collection method: clinical testing. Allele origin: germline.
Comment: Algorithms developed to predict the effect of missense changes on protein structure and function (SIFT, PolyPhen-2, Align-GVGD) all suggest that this variant is likely to be tolerated, but these predictions have not been confirmed by published functional studies and their clinical significance is uncertain. In summary, the available evidence is currently insufficient to determine the role of this variant in disease. Therefore, it has been classified as a Variant of Uncertain Significance. This variant disrupts the p.Arg36 amino acid residue in MPZ. Other variant(s) that disrupt this residue have been determined to be pathogenic (PMID: 16616847, 26310628). This suggests that this residue is clinically significant, and that variants that disrupt this residue are likely to be disease-causing. This variant has not been reported in the literature in individuals with MPZ-related conditions. This variant is not present in population databases (ExAC no frequency). This sequence change replaces arginine with serine at codon 36 of the MPZ protein (p.Arg36Ser). The arginine residue is highly conserved and there is a moderate physicochemical difference between arginine and serine.

Literature cited by the submitters: PubMed 16616847; PubMed 26310628.

NM_000530.8(MPZ):c.108G>C (p.Arg36Ser)

Gene: MPZ (myelin protein zero; minus strand). Cytogenetic location: 1q23.3.
Variant type: single nucleotide variant.
Coding change: c.108G>C on transcript NM_000530.8 (MANE Select); coding-DNA position 108, G replaced by C.
Protein change: p.Arg36Ser; replaces arginine 36 with serine.
Molecular consequence: missense variant.
Genome position (GRCh38, 1-based): chr1:161,307,384, C>G on the plus strand (G>C on the coding strand, the complement: MPZ is on the minus strand). VCF-style: chr1-161307384-C-G. GRCh37 (hg19) VCF-style: chr1-161277174-C-G.
Other names: c.108G>C, p.Arg36Ser (NM_001315491.2); short protein forms R36S.
Identifiers: ClinVar variation 1011796 (VCV001011796.9), dbSNP rs1670288915, ClinGen allele CA343351497.